The following is an entry in ClinVar:

ClinVar aggregate classification (germline): Uncertain significance. Review status: criteria provided, multiple submitters, no conflicts (2 of 4 stars). 2 submissions from 2 submitters: Uncertain significance (2). Last evaluated 2025-12-01.

Allele frequency attached by ClinVar (database versions not stated): gnomAD exomes below 0.00001 and 0.00003; gnomAD 0.00001; TOPMed 0.00001.
gnomAD v4.1: 4 of 1,437,660 alleles (0.00028%); highest among the groups gnomAD compares: Admixed American, 0.0087%; no homozygotes.

Submissions (2):

Labcorp Genetics (formerly Invitae), Labcorp
Classification: Uncertain significance. Last evaluated: 2025-12-01. Review status: criteria provided, single submitter. Criteria: Invitae Variant Classification Sherloc (09022015). Collection method: clinical testing. Allele origin: germline.
Comment: This sequence change replaces alanine, which is neutral and non-polar, with valine, which is neutral and non-polar, at codon 25 of the FGFRL1 protein (p.Ala25Val). This variant is present in population databases (no rsID available, gnomAD 0.01%). This variant has not been reported in the literature in individuals affected with FGFRL1-related conditions. ClinVar contains an entry for this variant (Variation ID: 1409881). Experimental studies and prediction algorithms are not available or were not evaluated, and the functional significance of this variant is currently unknown. In summary, the available evidence is currently insufficient to determine the role of this variant in disease. Therefore, it has been classified as a Variant of Uncertain Significance.

Ambry Genetics
Classification: Uncertain significance. Last evaluated: 2024-10-07. Review status: criteria provided, single submitter. Criteria: Ambry Variant Classification Scheme 2023. Collection method: clinical testing. Allele origin: germline.

NM_001004356.3(FGFRL1):c.74C>T (p.Ala25Val)

Gene: FGFRL1 (fibroblast growth factor receptor like 1; plus strand). Cytogenetic location: 4p16.3.
Variant type: single nucleotide variant.
Coding change: c.74C>T on transcript NM_001004356.3 (MANE Select); coding-DNA position 74, C replaced by T.
Protein change: p.Ala25Val; replaces alanine 25 with valine.
Molecular consequence: missense variant.
Genome position (GRCh38, 1-based): chr4:1,012,559, C>T. VCF-style: chr4-1012559-C-T. GRCh37 (hg19) VCF-style: chr4-1006347-C-T.
Other names: c.74C>T, p.Ala25Val (NM_001004358.1, NM_001370296.1, NM_021923.3); c.74C>T (NM_001004356.2); short protein forms A25V.
Identifiers: ClinVar variation 1409881 (VCV001409881.9), dbSNP rs1368662831, ClinGen allele CA355924821.
Genomic context (GRCh38, chr4:1,012,559, plus strand): 5'-CCCTGTTGCTGCTCCTGCTGCCGCCGCTGCTGCTGGGGGCCTTCCCGCCGGCCGCCGCCG[C>T]CCGAGGTGAGTTCTGGCGCCCAGCCCGGCCAGCCTGGCCTCCGCCAGCGCCGCCCCCTTC-3'
Protein context (NP_001004356.1, residues 15-35): LLGAFPPAAA[Ala25Val]RGPPKMADKV